The following is an entry in ClinVar:

ClinVar aggregate classification (germline): Uncertain significance. Review status: criteria provided, single submitter (1 of 4 stars). 2 submissions from 2 submitters: Uncertain significance (1). 1 of the submissions does not count toward it. Last evaluated 2024-10-24.

Conditions:
Progressive sclerosing poliodystrophy (MTDPS4A). Also called: Alpers-Huttenlocher Syndrome (AHS); NEURONAL DEGENERATION OF CHILDHOOD WITH LIVER DISEASE, PROGRESSIVE; Alpers Syndrome; ALPERS DIFFUSE DEGENERATION OF CEREBRAL GRAY MATTER WITH HEPATIC CIRRHOSIS; Alpers-Huttenlocher Syndrome; ALPERS PROGRESSIVE INFANTILE POLIODYSTROPHY. Identifiers: Orphanet 726, MedGen C0205710, MONDO:0008758, OMIM 203700.

Allele frequency attached by ClinVar (database versions not stated): gnomAD exomes 0.00009; ExAC 0.00021; 1000 Genomes Project 0.01737.

Submissions (2):

Labcorp Genetics (formerly Invitae), Labcorp
Classification: Uncertain significance for Progressive sclerosing poliodystrophy. Last evaluated: 2024-10-24. Review status: criteria provided, single submitter. Criteria: Invitae Variant Classification Sherloc (09022015). Collection method: clinical testing. Allele origin: germline.
Comment: This sequence change replaces arginine, which is basic and polar, with glutamine, which is neutral and polar, at codon 41 of the POLG protein (p.Arg41Gln). This variant is present in population databases (rs556175571, gnomAD 0.05%). This variant has not been reported in the literature in individuals affected with POLG-related conditions. ClinVar contains an entry for this variant (Variation ID: 559177). Invitae Evidence Modeling of protein sequence and biophysical properties (such as structural, functional, and spatial information, amino acid conservation, physicochemical variation, residue mobility, and thermodynamic stability) indicates that this missense variant is not expected to disrupt POLG protein function with a negative predictive value of 95%. In summary, the available evidence is currently insufficient to determine the role of this variant in disease. Therefore, it has been classified as a Variant of Uncertain Significance.

Mayo Clinic Laboratories, Mayo Clinic
Classification: Uncertain significance. Last evaluated: 2016-02-29. Review status: no assertion criteria provided. Collection method: clinical testing. Allele origin: unknown. Not counted in ClinVar's aggregate classification.

NM_002693.3(POLG):c.122G>A (p.Arg41Gln)

Genes: POLG (DNA polymerase gamma, catalytic subunit; minus strand), POLGARF (POLG alternative reading frame; minus strand). Cytogenetic location: 15q26.1.
Variant type: single nucleotide variant.
Coding change: c.122G>A on transcript NM_002693.3 (MANE Select); coding-DNA position 122, G replaced by A.
Protein change: p.Arg41Gln; replaces arginine 41 with glutamine.
Molecular consequence: missense variant.
Genome position (GRCh38, 1-based): chr15:89,333,633, C>T on the plus strand (G>A on the coding strand, the complement: POLG is on the minus strand). VCF-style: chr15-89333633-C-T. GRCh37 (hg19) VCF-style: chr15-89876864-C-T.
Other names: c.122G>A, p.Arg41Gln (NM_001126131.2); short protein forms R41Q.
Identifiers: ClinVar variation 559177 (VCV000559177.7), dbSNP rs556175571, ClinGen allele CA7725203.